The following is an entry in ClinVar:

ClinVar aggregate classification (germline): Uncertain significance (1 of 4 stars; one submission).

Conditions:
Hydatidiform mole, recurrent, 1 (HYDM1). Identifiers: Orphanet 254688, Orphanet 99927, MedGen C3463897, MONDO:0009273, OMIM 231090. Disease mechanism: loss of function.

Allele frequency attached by ClinVar (database versions not stated): gnomAD exomes below 0.00001; ExAC 0.00001.
gnomAD v4.1: 3 of 1,614,146 alleles (0.00019%); highest among the groups gnomAD compares: South Asian, 0.0022%; no homozygotes.

Submission:

Neuberg Centre For Genomic Medicine, NCGM
Classification: Uncertain significance for Hydatidiform mole, recurrent, 1. Review status: criteria provided, single submitter. Criteria: ACMG Guidelines, 2015. Collection method: clinical testing. Allele origin: germline. Inheritance: Autosomal recessive inheritance. Affected: yes.
Comment: The missense variant c.2002T>C (p.Cys668Arg) in NLRP7 gene has not been reported previously as a pathogenic variant nor as a benign variant, to our knowledge. The p.Cys668Arg variant is reported with the allele frequency (0.0003%) in the gnomAD Exomes and is novel (not in any individuals) in 1000 Genomes. The amino acid Cys at position 668 is changed to a Arg changing protein sequence and it might alter its composition and physico-chemical properties. The variant is predicted to be damaging by both SIFT and PolyPhen2. The residue is conserved across species. The amino acid change p.Cys668Arg in NLRP7 is predicted as conserved by GERP++ and PhyloP across 100 vertebrates. For these reasons, this variant has been classified as Variant of Uncertain Significance (VUS)

NM_001127255.2(NLRP7):c.2002T>C (p.Cys668Arg)

Genes: NCR1 (natural cytotoxicity triggering receptor 1), NLRP7 (NLR family pyrin domain containing 7; minus strand). Cytogenetic location: 19q13.42.
Variant type: single nucleotide variant.
Coding change: c.2002T>C on transcript NM_001127255.2 (MANE Select); coding-DNA position 2002, T replaced by C.
Protein change: p.Cys668Arg; replaces cysteine 668 with arginine.
Molecular consequence: missense variant. On other transcripts: intron variant (1).
Genome position (GRCh38, 1-based): chr19:54,938,171, A>G on the plus strand (T>C on the coding strand, the complement: NLRP7 is on the minus strand). VCF-style: chr19-54938171-A-G. GRCh37 (hg19) VCF-style: chr19-55449539-A-G.
Other names: c.2002T>C, p.Cys668Arg (NM_001405531.1, NM_206828.4); c.1932-14T>C (NM_139176.4); short protein forms C668R.
Identifiers: ClinVar variation 2585388 (VCV002585388.1), dbSNP rs768491118, ClinGen allele CA310016050.
Genomic context (GRCh38, chr19:54,938,171, plus strand): 5'-TCAGGAAGCTTTGTTTCACTTCCAGAAACTTGAGGTTGCTGTTTGAGCTGAAGAGAGAGC[A>G]GAAATCTGTCCAGAGGCGAAGAGAGCGAAGATCCTGCCGAGCCCAGTTCGGAATGGTTAG-3'
Protein context (NP_001120727.1, residues 658-678): LRSLRLWTDF[Cys668Arg]SLFSSNSNLK